The following is an entry in ClinVar:

ClinVar aggregate classification (germline): Uncertain significance (1 of 4 stars; one submission).

Allele frequency attached by ClinVar (database versions not stated): gnomAD exomes below 0.00001; ExAC 0.00001; gnomAD 0.00001; TOPMed 0.00001.
gnomAD v4.1: 4 of 1,613,966 alleles (0.00025%); highest among the groups gnomAD compares: Non-Finnish European, 0.00034%; no homozygotes.

Submission:

Labcorp Genetics (formerly Invitae), Labcorp
Classification: Uncertain significance. Last evaluated: 2022-01-18. Review status: criteria provided, single submitter. Criteria: Invitae Variant Classification Sherloc (09022015). Collection method: clinical testing. Allele origin: germline.
Comment: In summary, the available evidence is currently insufficient to determine the role of this variant in disease. Therefore, it has been classified as a Variant of Uncertain Significance. Algorithms developed to predict the effect of missense changes on protein structure and function output the following: SIFT: "Tolerated"; PolyPhen-2: "Possibly Damaging"; Align-GVGD: "Class C0". The histidine amino acid residue is found in multiple mammalian species, which suggests that this missense change does not adversely affect protein function. This variant has not been reported in the literature in individuals affected with IFNAR2-related conditions. This variant is present in population databases (rs757519908, gnomAD 0.007%). This sequence change replaces proline, which is neutral and non-polar, with histidine, which is basic and polar, at codon 482 of the IFNAR2 protein (p.Pro482His).

NM_001289125.3(IFNAR2):c.1445C>A (p.Pro482His)

Genes: IFNAR2 (interferon alpha and beta receptor subunit 2; plus strand), IFNAR2-IL10RB (IFNAR2-IL10RB readthrough; plus strand). Cytogenetic location: 21q22.11.
Variant type: single nucleotide variant.
Coding change: c.1445C>A on transcript NM_001289125.3 (MANE Select); coding-DNA position 1445, C replaced by A.
Protein change: p.Pro482His; replaces proline 482 with histidine.
Molecular consequence: missense variant. On other transcripts: intron variant (1), 3 prime UTR variant (5).
Genome position (GRCh38, 1-based): chr21:33,263,397, C>A. VCF-style: chr21-33263397-C-A. GRCh37 (hg19) VCF-style: chr21-34635702-C-A.
Other names: c.1318+127C>A (NM_001385055.1); c.*681C>A (NM_000874.5, NM_207584.3); c.*594C>A (NM_001289126.2, NM_001289128.2); c.*820C>A (NM_001385054.1); c.1445C>A, p.Pro482His (NM_207585.3); short protein forms P482H.
Identifiers: ClinVar variation 2087810 (VCV002087810.4), dbSNP rs757519908, ClinGen allele CA10005987.